The following is an entry in ClinVar:

NM_198578.4(LRRK2):c.5468A>T (p.Gln1823Leu)

Gene: LRRK2 (leucine rich repeat kinase 2; plus strand). Cytogenetic location: 12q12.
Variant type: single nucleotide variant.
Coding change: c.5468A>T on transcript NM_198578.4 (MANE Select); coding-DNA position 5468, A replaced by T.
Protein change: p.Gln1823Leu; replaces glutamine 1823 with leucine.
Molecular consequence: missense variant.
Genome position (GRCh38, 1-based): chr12:40,322,469, A>T. VCF-style: chr12-40322469-A-T. GRCh37 (hg19) VCF-style: chr12-40716271-A-T.
Other names: short protein forms Q1823L.
Identifiers: ClinVar variation 3540743 (VCV003540743.1).

ClinVar aggregate classification (germline): Uncertain significance (1 of 4 stars; one submission).

Conditions:
Inborn genetic diseases. Identifiers: MedGen C0950123, MeSH D030342.

Submission:

Ambry Genetics
Classification: Uncertain significance for Inborn genetic diseases. Last evaluated: 2024-10-21. Review status: criteria provided, single submitter. Criteria: Ambry Variant Classification Scheme 2023. Collection method: clinical testing. Allele origin: germline.
Comment: The p.Q1823L variant (also known as c.5468A>T), located in coding exon 37 of the LRRK2 gene, results from an A to T substitution at nucleotide position 5468. The glutamine at codon 1823 is replaced by leucine, an amino acid with dissimilar properties. This amino acid position is conserved. In addition, the in silico prediction for this alteration is inconclusive. Based on the available evidence, the clinical significance of this variant remains unclear.